The following is an entry in ClinVar:

NM_004247.4(EFTUD2):c.1033G>A (p.Gly345Ser)

Gene: EFTUD2 (elongation factor Tu GTP binding domain containing 2; minus strand). Cytogenetic location: 17q21.31.
Variant type: single nucleotide variant.
Coding change: c.1033G>A on transcript NM_004247.4 (MANE Select); coding-DNA position 1033, G replaced by A.
Protein change: p.Gly345Ser; replaces glycine 345 with serine.
Molecular consequence: missense variant.
Genome position (GRCh38, 1-based): chr17:44,868,312, C>T on the plus strand (G>A on the coding strand, the complement: EFTUD2 is on the minus strand). VCF-style: chr17-44868312-C-T. GRCh37 (hg19) VCF-style: chr17-42945680-C-T.
Other names: c.928G>A, p.Gly310Ser (NM_001142605.2); c.1033G>A, p.Gly345Ser (NM_001258353.2); c.1003G>A, p.Gly335Ser (NM_001258354.2); short protein forms G310S, G335S, G345S.
Identifiers: ClinVar variation 1805764 (VCV001805764.1), dbSNP rs751348812, ClinGen allele CA8607902.

ClinVar aggregate classification (germline): Uncertain significance (1 of 4 stars; one submission).

Conditions:
Mandibulofacial dysostosis-microcephaly syndrome (MFDGA). Also called: Growth and mental retardation, mandibulofacial dysostosis, microcephaly, and cleft palate; Mandibulofacial dysostosis, Guion-Almeida type. Identifiers: Orphanet 79113, MedGen C1864652, MONDO:0012516, OMIM 610536.

Allele frequency attached by ClinVar (database versions not stated): ExAC 0.00001.

Submission:

Victorian Clinical Genetics Services, Murdoch Childrens Research Institute
Classification: Uncertain significance for Mandibulofacial dysostosis-microcephaly syndrome. Last evaluated: 2020-05-25. Review status: criteria provided, single submitter. Criteria: ACMG Guidelines, 2015. Collection method: clinical testing. Allele origin: germline. Inheritance: Autosomal dominant inheritance. Affected: yes.
Comment: Based on the classification scheme VCGS_Germline_v1.1.1, this variant is classified as 3B-VUS. Following criteria are met: 0102 - Loss-of-function is a known mechanism of disease for this gene. (N) 0107 - This gene is known to be associated with autosomal dominant disease. (N) 0200 - Variant is predicted to result in a missense amino acid change from glycine to serine (exon 12). (N) 0251 - Variant is heterozygous. (N) 0302 - Variant is present in gnomAD <0.001 for a dominant condition (1 Heterozygote). (P) 0502 - Missense variant with conflicting in-silico predictions and/or uninformative conservation. (N) 0600 - Variant is located in an annotated domain or motif (Elongation factor Tu GTP binding domain; PDB). (N) 0705 - No comparable variants have previous evidence for pathogenicity. (N) 0807 - Variant has not previously been reported in a clinical context. (N) 0905 - No segregation evidence has been identified for this variant. (N) 1007 - No published functional evidence has been identified for this variant. (N) 1208 - Inheritance information for this variant is not currently available. (N)